The following is an entry in ClinVar:

ClinVar aggregate classification (germline): Benign/Likely benign. Review status: criteria provided, multiple submitters, no conflicts (2 of 4 stars). 22 submissions from 20 submitters: Benign (15); Likely benign (1). 6 of the submissions do not count toward it. Last evaluated 2026-02-04.

Conditions:
Inborn genetic diseases. Identifiers: MedGen C0950123, MeSH D030342.
Cutis laxa, X-linked (OHS). Also called: EDS IX; Occipital horn syndrome. Identifiers: Orphanet 198, MedGen C0268353, MONDO:0010572, OMIM 304150.
X-linked distal spinal muscular atrophy type 3. Also called: ATP7A-Related Distal Motor Neuropathy; NEURONOPATHY, DISTAL HEREDITARY MOTOR, X-LINKED; NEUROPATHY, DISTAL HEREDITARY MOTOR, X-LINKED; SPINAL MUSCULAR ATROPHY, DISTAL, X-LINKED RECESSIVE. Identifiers: Orphanet 139557, MedGen C1845359, MONDO:0010338, OMIM 300489.
Menkes kinky-hair syndrome (MNK). Also called: Copper transport disease; Menkes Disease; Classic Menkes Disease. Identifiers: Orphanet 565, MedGen C0022716, MONDO:0010651, OMIM 309400.

Allele frequency attached by ClinVar (database versions not stated): gnomAD exomes 0.23698 and 0.21653; ExAC 0.24452; ESP Exome Variant Server 0.25554; gnomAD 0.24533 and 0.24755; TOPMed 0.25128; 1000 Genomes Project 30x 0.29178; 1000 Genomes Project 0.29934.
gnomAD v4.1: 265,311 of 1,207,893 alleles (22%); highest among the groups gnomAD compares: South Asian, 38%; 20,220 homozygotes.

Submissions (22):

Labcorp Genetics (formerly Invitae), Labcorp
Classification: Benign for X-linked distal spinal muscular atrophy type 3; Cutis laxa, X-linked; Menkes kinky-hair syndrome. Last evaluated: 2026-02-04. Review status: criteria provided, single submitter. Criteria: Invitae Variant Classification Sherloc (09022015). Collection method: clinical testing. Allele origin: germline.

Women's Health and Genetics/Laboratory Corporation of America, LabCorp
Classification: Likely benign. Last evaluated: 2025-11-14. Review status: criteria provided, single submitter. Criteria: LabCorp Variant Classification Summary - May 2015. Collection method: clinical testing. Allele origin: germline.

Blueprint Genetics
Classification: Benign. Last evaluated: 2024-11-28. Review status: criteria provided, single submitter. Criteria: ACMG Guidelines, 2015. Collection method: clinical testing. Allele origin: germline.

Genome-Nilou Lab
Classification: Benign for Menkes kinky-hair syndrome. Last evaluated: 2021-07-14. Review status: criteria provided, single submitter. Criteria: ACMG Guidelines, 2015. Collection method: clinical testing. Allele origin: germline. Affected: no.

Genome-Nilou Lab
Classification: Benign for Cutis laxa, X-linked. Last evaluated: 2021-07-14. Review status: criteria provided, single submitter. Criteria: ACMG Guidelines, 2015. Collection method: clinical testing. Allele origin: germline. Affected: no.

Genome-Nilou Lab
Classification: Benign for X-linked distal spinal muscular atrophy type 3. Last evaluated: 2021-07-14. Review status: criteria provided, single submitter. Criteria: ACMG Guidelines, 2015. Collection method: clinical testing. Allele origin: germline. Affected: no.

ARUP Laboratories, Molecular Genetics and Genomics, ARUP Laboratories
Classification: Benign. Last evaluated: 2021-05-28. Review status: criteria provided, single submitter. Criteria: ARUP Molecular Germline Variant Investigation Process 2021. Collection method: clinical testing. Allele origin: germline.

Mayo Clinic Laboratories, Mayo Clinic
Classification: Benign. Last evaluated: 2021-04-07. Review status: criteria provided, single submitter. Criteria: ACMG Guidelines, 2015. Collection method: clinical testing. Allele origin: germline. Observed: 2,175 variant alleles.

Mendelics
Classification: Benign for Menkes kinky-hair syndrome. Last evaluated: 2019-05-28. Review status: criteria provided, single submitter. Criteria: Mendelics Assertion Criteria 2017. Collection method: clinical testing. Allele origin: unknown.

Laboratory for Molecular Medicine, Mass General Brigham Personalized Medicine
Classification: Benign. Last evaluated: 2016-04-25. Review status: criteria provided, single submitter. Criteria: LMM Criteria. Collection method: clinical testing. Allele origin: germline.
Comment: Variant identified in a genome or exome case(s) and assessed due to predicted null impact of the variant or pathogenic assertions in the literature or databases. Disclaimer: This variant has not undergone full assessment. The following are preliminary notes: Frequency

Eurofins Ntd Llc (ga)
Classification: Benign. Last evaluated: 2016-02-05. Review status: criteria provided, single submitter. Criteria: EGL Classification Definitions 2015. Collection method: clinical testing. Allele origin: germline. Observed: 21 variant alleles, 9 heterozygotes, 1 homozygote, 11 hemizygotes.

Ambry Genetics
Classification: Benign for Inborn genetic diseases. Last evaluated: 2014-11-24. Review status: criteria provided, single submitter. Criteria: Ambry Variant Classification Scheme 2023. Collection method: clinical testing. Allele origin: germline.

GeneDx
Classification: Benign. Last evaluated: 2013-12-11. Review status: criteria provided, single submitter. Criteria: GeneDx Variant Classification (06012015). Collection method: clinical testing. Allele origin: germline. Affected: yes.
Comment: This variant is considered likely benign or benign based on one or more of the following criteria: it is a conservative change, it occurs at a poorly conserved position in the protein, it is predicted to be benign by multiple in silico algorithms, and/or has population frequency not consistent with disease.

Genetic Services Laboratory, University of Chicago
Classification: Benign. Last evaluated: 2013-02-08. Review status: criteria provided, single submitter. Criteria: ACMG Guidelines, 2007. Collection method: clinical testing. Allele origin: germline.

Breakthrough Genomics
Classification: Benign. Review status: criteria provided, single submitter. Criteria: ACMG Guidelines, 2015. Collection method: not provided. Allele origin: germline. Inheritance: X-linked inheritance. Affected: yes.

PreventionGenetics, part of Exact Sciences
Classification: Benign. Review status: criteria provided, single submitter. Criteria: ACMG Guidelines, 2015. Collection method: clinical testing. Allele origin: germline.

Natera, Inc.
Classification: Benign for Distal spinal muscular atrophy, X-linked 3; Cutis laxa, X-linked; Menkes kinky-hair syndrome. Last evaluated: 2020-09-16. Review status: no assertion criteria provided. Collection method: clinical testing. Allele origin: germline. Not counted in ClinVar's aggregate classification.

Clinical Genetics DNA and cytogenetics Diagnostics Lab, Erasmus MC, Erasmus Medical Center
Classification: Benign. Review status: no assertion criteria provided. Collection method: clinical testing. Allele origin: germline. Affected: yes. Study: VKGL Data-share Consensus. Not counted in ClinVar's aggregate classification.

Clinical Genetics, Academic Medical Center
Classification: Benign. Review status: no assertion criteria provided. Collection method: clinical testing. Allele origin: germline. Affected: yes. Study: VKGL Data-share Consensus. Not counted in ClinVar's aggregate classification.

Diagnostic Laboratory, Department of Genetics, University Medical Center Groningen
Classification: Benign. Review status: no assertion criteria provided. Collection method: clinical testing. Allele origin: germline. Affected: yes. Study: VKGL Data-share Consensus. Not counted in ClinVar's aggregate classification.

Genome Diagnostics Laboratory, Amsterdam University Medical Center
Classification: Benign. Review status: no assertion criteria provided. Collection method: clinical testing. Allele origin: germline. Affected: yes. Study: VKGL Data-share Consensus. Not counted in ClinVar's aggregate classification.

Joint Genome Diagnostic Labs from Nijmegen and Maastricht, Radboudumc and MUMC+
Classification: Benign. Review status: no assertion criteria provided. Collection method: clinical testing. Allele origin: germline. Affected: yes. Study: VKGL Data-share Consensus. Not counted in ClinVar's aggregate classification.

NM_000052.7(ATP7A):c.2299G>C (p.Val767Leu)

Gene: ATP7A (ATPase copper transporting alpha; plus strand). Cytogenetic location: Xq21.1.
Variant type: single nucleotide variant.
Coding change: c.2299G>C on transcript NM_000052.7 (MANE Select); coding-DNA position 2299, G replaced by C.
Protein change: p.Val767Leu; replaces valine 767 with leucine.
Molecular consequence: missense variant. On other transcripts: intron variant (1).
Genome position (GRCh38, 1-based): chrX:78,013,005, G>C. VCF-style: chrX-78013005-G-C. GRCh37 (hg19) VCF-style: chrX-77268502-G-C.
Other names: p.V767L:GTT>CTT; c.2172+1331G>C (NM_001282224.2); short protein forms V767L.
Identifiers: ClinVar variation 92382 (VCV000092382.48), dbSNP rs2227291, ClinGen allele CA145663.